The following is an entry in ClinVar:

ClinVar aggregate classification (germline): Uncertain significance (1 of 4 stars; one submission).

Conditions:
Spondyloepimetaphyseal dysplasia, Bieganski type. Also called: Leukoencephalopathy with metaphyseal chondrodysplasia; Spondyloepimetaphyseal dysplasia, X-linked, with hypomyelinating leukodystrophy; SEMD X-linked with mental deterioration. Identifiers: Orphanet 168448, Orphanet 83629, MedGen C1846148, MONDO:0010275, OMIM 300232.

Submission:

Victorian Clinical Genetics Services, Murdoch Childrens Research Institute
Classification: Uncertain significance for Spondyloepimetaphyseal dysplasia, Bieganski type. Last evaluated: 2021-05-06. Review status: criteria provided, single submitter. Criteria: ACMG Guidelines, 2015. Collection method: clinical testing. Allele origin: germline. Inheritance: X-linked recessive inheritance.
Comment: Based on the classification scheme VCGS_Germline_v1.3.4, this variant is classified as VUS-3B. Following criteria are met: 0102 - Loss of function is a known mechanism of disease in this gene and is associated with AIFM1-related disorders. (I) 0109 - This gene is associated with X-linked recessive disease. (I) 0200 - Variant is predicted to result in a missense amino acid change from leucine to valine. (I) 0253 - This variant is hemizygous. (I) 0301 - Variant is absent from gnomAD (both v2 and v3). (SP) 0502 - Missense variant with conflicting in silico predictions and very high conservation. (I) 0600 - Variant is located in the annotated oxidoreductase region (NCBI, UniProt). (I) 0705 - No comparable missense variants have previous evidence for pathogenicity. (I) 0807 - This variant has no previous evidence of pathogenicity. (I) 0905 - No published segregation evidence has been identified for this variant. (I) 1007 - No published functional evidence has been identified for this variant. (I) Legend: (SP) - Supporting pathogenic, (I) - Information, (SB) - Supporting benign

NM_004208.4(AIFM1):c.649C>G (p.Leu217Val)

Genes: AIFM1 (apoptosis inducing factor mitochondria associated 1; minus strand), RAB33A (RAB33A, member RAS oncogene family; plus strand). Cytogenetic location: Xq26.1.
Variant type: single nucleotide variant.
Coding change: c.649C>G on transcript NM_004208.4 (MANE Select); coding-DNA position 649, C replaced by G.
Protein change: p.Leu217Val; replaces leucine 217 with valine.
Molecular consequence: missense variant. On other transcripts: non-coding transcript variant (1).
Genome position (GRCh38, 1-based): chrX:130,145,526, G>C on the plus strand (C>G on the coding strand, the complement: AIFM1 is on the minus strand). VCF-style: chrX-130145526-G-C. GRCh37 (hg19) VCF-style: chrX-129279501-G-C.
Other names: c.649C>G, p.Leu217Val (NM_001130847.4); c.637C>G, p.Leu213Val (NM_145812.3); short protein forms L213V, L217V.
Identifiers: ClinVar variation 1805860 (VCV001805860.1), dbSNP rs777608741, ClinGen allele CA414586877.